The following is an entry in ClinVar:

ClinVar aggregate classification (germline): Conflicting classifications of pathogenicity. Review status: criteria provided, conflicting classifications (1 of 4 stars). 6 submissions from 6 submitters: Uncertain significance (5); Likely benign (1). Last evaluated 2026-01-08.

Conditions:
Ehlers-Danlos syndrome, classic type, 2 (EDSCL2). Also called: Ehlers-Danlos syndrome type 2 (formerly); Ehlers-Danlos Syndrome, Classic Type, COL5A2-Related; Ehlers-Danlos syndrome, type 2. Identifiers: Orphanet 287, Orphanet 90318, MedGen C0268336, MONDO:0019568, OMIM 130010.
Ehlers-Danlos syndrome, classic type (cEDS). Identifiers: Orphanet 287, MedGen C4225429, MONDO:0007522.
Familial thoracic aortic aneurysm and aortic dissection (TAAD). Also called: Thoracic aortic aneurysms and dissections. Identifiers: Orphanet 91387, MedGen C4707243, MONDO:0019625.
Ehlers-Danlos syndrome, classic type, 1 (EDSCL1). Also called: EHLERS-DANLOS SYNDROME, GRAVIS TYPE; EHLERS-DANLOS SYNDROME, SEVERE CLASSIC TYPE; Ehlers-Danlos Syndrome, Classic Type, COL5A1-Related; EDS I; Ehlers-Danlos syndrome, type 1. Identifiers: MedGen C0268335, MONDO:0019567, OMIM 130000.

Allele frequency attached by ClinVar (database versions not stated): gnomAD 0.00002; ExAC 0.00003; TOPMed 0.00005.
gnomAD v4.1: 104 of 1,605,560 alleles (0.0065%); highest among the groups gnomAD compares: Non-Finnish European, 0.0088%; no homozygotes.

Submissions (6):

Labcorp Genetics (formerly Invitae), Labcorp
Classification: Likely benign for Ehlers-Danlos syndrome, classic type, 1. Last evaluated: 2026-01-08. Review status: criteria provided, single submitter. Criteria: Invitae Variant Classification Sherloc (09022015). Collection method: clinical testing. Allele origin: germline.

Ambry Genetics
Classification: Uncertain significance for Familial thoracic aortic aneurysm and aortic dissection. Last evaluated: 2024-09-13. Review status: criteria provided, single submitter. Criteria: Ambry Variant Classification Scheme 2023. Collection method: clinical testing. Allele origin: germline.
Comment: The p.A1115P variant (also known as c.3343G>C), located in coding exon 47 of the COL5A2 gene, results from a G to C substitution at nucleotide position 3343. The alanine at codon 1115 is replaced by proline, an amino acid with highly similar properties. This amino acid position is well conserved in available vertebrate species. In addition, the in silico prediction for this alteration is inconclusive. Based on the available evidence, the clinical significance of this variant remains unclear.

Mayo Clinic Laboratories, Mayo Clinic
Classification: Uncertain significance. Last evaluated: 2022-09-15. Review status: criteria provided, single submitter. Criteria: ACMG Guidelines, 2015. Collection method: clinical testing. Allele origin: germline. Observed: 1 variant allele.

GeneDx
Classification: Uncertain significance. Last evaluated: 2022-05-09. Review status: criteria provided, single submitter. Criteria: GeneDx Variant Classification Process June 2021. Collection method: clinical testing. Allele origin: germline. Affected: yes.
Comment: Has not been previously published as pathogenic or benign to our knowledge; In silico analysis supports that this missense variant has a deleterious effect on protein structure/function

Victorian Clinical Genetics Services, Murdoch Childrens Research Institute
Classification: Uncertain significance for Ehlers-Danlos syndrome, classic type, 2. Last evaluated: 2022-02-02. Review status: criteria provided, single submitter. Criteria: ACMG Guidelines, 2015. Collection method: clinical testing. Allele origin: germline. Inheritance: Autosomal dominant inheritance. Affected: yes.
Comment: Based on the classification scheme VCGS_Germline_v1.3.4, this variant is classified as VUS-3C. Following criteria are met: 0104 - Dominant negative is a likely mechanism of disease in this gene and is associated with classic type Ehlers-Danlos syndrome, 2 (MIM#130010) (GeneReviews; PMIDs: 23587214, 20847697). (I) 0107 - This gene is associated with autosomal dominant disease. (I) 0115 - Variants in this gene are known to have variable expressivity. Intra- and inter-familial phenotypic variability have been reported (GeneReviews, PMID: 20847697). (I) 0200 - Variant is predicted to result in a missense amino acid change from alanine to proline. (I) 0251 - This variant is heterozygous. (I) 0302 - Variant is present in gnomAD (v2) <0.001 for a dominant condition (6 heterozygotes, 0 homozygotes). (SP) 0309 - Two alternative amino acid changes at the same position has been observed in gnomAD (v2) (p.(Ala1115Gly): 1 heterozygote, 0 homozygotes); p.(Ala1115Ser): 1 heterozygote, 0 homozygotes). (I) 0503 - Missense variant consistently predicted to be tolerated by multiple in silico tools or not conserved in placental mammals with a minor amino acid change. (SB) 0600 - Variant is located in the annotated collagen triple helix repeat domain. This variant affects the Y residue of the G-X-Y repeat (DECIPHER). (I) 0705 - No comparable missense variants have previous evidence for pathogenicity. (I) 0809 - Previous evidence of pathogenicity for this variant is inconclusive. This variant has been classified as a VUS by clinical diagnostic laboratories (ClinVar). (I) 0905 - No published segregation evidence has been identified for this variant. (I) 1007 - No published functional evidence has been identified for this variant. (I) 1208 - Inheritance information for this variant is not currently available in this individual. (I) Legend: (SP) - Supporting pathogenic, (I) - Information, (SB) - Supporting benign

Department of Pathology and Laboratory Medicine, Sinai Health System
Classification: Uncertain significance for Ehlers-Danlos syndrome, classic type. Last evaluated: 2020-05-05. Review status: criteria provided, single submitter. Criteria: ACMG Guidelines, 2015. Collection method: research. Allele origin: germline.

Literature cited by the submitters: PubMed 20847697 (cited by Victorian Clinical Genetics Services, Murdoch Childrens Research Institute).

NM_000393.5(COL5A2):c.3343G>C (p.Ala1115Pro)

Gene: COL5A2 (collagen type V alpha 2 chain; minus strand). Cytogenetic location: 2q32.2.
Variant type: single nucleotide variant.
Coding change: c.3343G>C on transcript NM_000393.5 (MANE Select); coding-DNA position 3343, G replaced by C.
Protein change: p.Ala1115Pro; replaces alanine 1115 with proline.
Molecular consequence: missense variant.
Genome position (GRCh38, 1-based): chr2:189,045,199, C>G on the plus strand (G>C on the coding strand, the complement: COL5A2 is on the minus strand). VCF-style: chr2-189045199-C-G. GRCh37 (hg19) VCF-style: chr2-189909925-C-G.
Other names: p.Ala1115Pro; short protein forms A1115P.
Identifiers: ClinVar variation 422696 (VCV000422696.21), dbSNP rs748601646, ClinGen allele CA2022031.